The following is an entry in ClinVar:

NM_001375567.1(FOCAD):c.4729-14_4729-5dup

Gene: FOCAD (focadhesin; plus strand). Cytogenetic location: 9p21.3.
Variant type: Duplication.
Coding change: c.4729-14_4729-5dup on transcript NM_001375567.1 (MANE Select); 14 bases into the intron before coding-DNA position 4729 through 5 bases into the intron before coding-DNA position 4729, 10 bases duplicated (TTTTTTTTTT; older notation c.4729-14_4729-5dupTTTTTTTTTT).
Molecular consequence: intron variant.
Genome position (GRCh38, 1-based): chr9:20,986,274-20,986,283, TTTTTTTTTT duplicated; duplicating any 10 consecutive bases within chr9:20,986,267-20,986,283 gives the same sequence; the c. name uses the placement nearest the transcript's 3' end. VCF-style (leftmost placement, unchanged base first): chr9-20986266-A-ATTTTTTTTTT. GRCh37 (hg19) VCF-style: chr9-20986265-A-ATTTTTTTTTT.
Other names: c.4729-14_4729-5dup (NM_017794.5); c.4624-14_4624-5dup (NM_001375568.1, NM_001375570.1).
Identifiers: ClinVar variation 3350415 (VCV003350415.8).

ClinVar aggregate classification (germline): Likely benign. Review status: criteria provided, single submitter (1 of 4 stars). 2 submissions from 2 submitters: Likely benign (1). 1 of the submissions does not count toward it. Last evaluated 2026-03-01.

Conditions:
FOCAD-related disorder. Also called: FOCAD-related condition.

Submissions (2):

CeGaT Center for Human Genetics Tuebingen
Classification: Likely benign. Last evaluated: 2026-03-01. Review status: criteria provided, single submitter. Criteria: CeGaT Center For Human Genetics Tuebingen Variant Classification Criteria Version 2. Collection method: clinical testing. Allele origin: germline. Affected: yes. Observed: 2 variant alleles.
Comment: FOCAD: BP4, BS2

PreventionGenetics, part of Exact Sciences
Classification: Likely benign for FOCAD-related condition. Last evaluated: 2024-08-07. Review status: no assertion criteria provided. Collection method: clinical testing. Allele origin: germline. Not counted in ClinVar's aggregate classification.
Comment: This variant is classified as likely benign based on ACMG/AMP sequence variant interpretation guidelines (Richards et al. 2015 PMID: 25741868, with internal and published modifications).